The following is an entry in ClinVar:

ClinVar aggregate classification (germline): Uncertain significance. Review status: criteria provided, multiple submitters, no conflicts (2 of 4 stars). 2 submissions from 2 submitters: Uncertain significance (2). Last evaluated 2025-02-08.

Conditions:
Inborn genetic diseases. Identifiers: MedGen C0950123, MeSH D030342.

Allele frequency attached by ClinVar (database versions not stated): gnomAD exomes 0.00001 and 0.00004; gnomAD 0.00016; TOPMed 0.00016; ExAC 0.00018; ESP Exome Variant Server 0.00026; 1000 Genomes Project 0.00040; 1000 Genomes Project 30x 0.00047.

Submissions (2):

Ambry Genetics
Classification: Uncertain significance for Inborn genetic diseases. Last evaluated: 2025-02-08. Review status: criteria provided, single submitter. Criteria: Ambry Variant Classification Scheme 2023. Collection method: clinical testing. Allele origin: germline.

Labcorp Genetics (formerly Invitae), Labcorp
Classification: Uncertain significance. Last evaluated: 2021-11-09. Review status: criteria provided, single submitter. Criteria: Invitae Variant Classification Sherloc (09022015). Collection method: clinical testing. Allele origin: germline.
Comment: This sequence change replaces proline, which is neutral and non-polar, with serine, which is neutral and polar, at codon 287 of the COL13A1 protein (p.Pro287Ser). This variant is present in population databases (rs372433796, gnomAD 0.06%). This variant has not been reported in the literature in individuals affected with COL13A1-related conditions. Algorithms developed to predict the effect of missense changes on protein structure and function (SIFT, PolyPhen-2, Align-GVGD) all suggest that this variant is likely to be disruptive. In summary, the available evidence is currently insufficient to determine the role of this variant in disease. Therefore, it has been classified as a Variant of Uncertain Significance.

NM_001368882.1(COL13A1):c.829C>T (p.Pro277Ser)

Gene: COL13A1 (collagen type XIII alpha 1 chain; plus strand). Cytogenetic location: 10q22.1.
Variant type: single nucleotide variant.
Coding change: c.829C>T on transcript NM_001368882.1 (MANE Select); coding-DNA position 829, C replaced by T.
Protein change: p.Pro277Ser; replaces proline 277 with serine.
Molecular consequence: missense variant.
Genome position (GRCh38, 1-based): chr10:69,902,826, C>T. VCF-style: chr10-69902826-C-T. GRCh37 (hg19) VCF-style: chr10-71662582-C-T.
Other names: c.859C>T, p.Pro287Ser (NM_001130103.2); c.829C>T, p.Pro277Ser (NM_001320951.2, NM_001368884.1); c.793C>T, p.Pro265Ser (NM_001368883.1, NM_001368885.1, NM_080801.4 and 1 more transcripts); c.229C>T, p.Pro77Ser (NM_001368886.1); c.739C>T, p.Pro247Ser (NM_001368895.1); c.688C>T, p.Pro230Ser (NM_001368896.1, NM_001368898.1, NM_080798.4); c.715C>T, p.Pro239Ser (NM_001368897.1); c.802C>T, p.Pro268Ser (NM_080800.4); and 2 more; short protein forms P236S, P265S, P230S, P239S, P277S, P287S, P77S, P247S.
Identifiers: ClinVar variation 1501614 (VCV001501614.4), dbSNP rs372433796, ClinGen allele CA5534442.